The following is an entry in ClinVar:

NM_005845.5(ABCC4):c.1410C>T (p.Ser470=)

Gene: ABCC4 (ATP binding cassette subfamily C member 4 (PEL blood group); minus strand). Cytogenetic location: 13q32.1.
Variant type: single nucleotide variant.
Coding change: c.1410C>T on transcript NM_005845.5 (MANE Select); coding-DNA position 1410, C replaced by T.
Protein change: p.Ser470=; no amino-acid change (serine 470 retained).
Molecular consequence: synonymous variant.
Genome position (GRCh38, 1-based): chr13:95,186,836, G>A on the plus strand (C>T on the coding strand, the complement: ABCC4 is on the minus strand). VCF-style: chr13-95186836-G-A. GRCh37 (hg19) VCF-style: chr13-95839090-G-A.
Other names: c.1410C>T, p.Ser470= (NM_001105515.3, NM_001301829.2); c.1185C>T, p.Ser395= (NM_001301830.2).
Identifiers: ClinVar variation 4979472 (VCV004979472.1).

ClinVar aggregate classification (germline): Likely benign (1 of 4 stars; one submission).

Conditions:
ABCC4-related disorder. Also called: ABCC4-related condition.

gnomAD v4.1: 37 of 1,613,846 alleles (0.0023%); highest among the groups gnomAD compares: Admixed American, 0.017%; no homozygotes.

Submission:

PreventionGenetics, part of Exact Sciences
Classification: Likely benign for ABCC4-related condition. Last evaluated: 2026-03-06. Review status: criteria provided, single submitter. Criteria: ACMG Guidelines, 2015. Collection method: clinical testing. Allele origin: germline.
Comment: This variant is classified as likely benign based on ACMG/AMP sequence variant interpretation guidelines (Richards et al. 2015 PMID: 25741868, with internal and published modifications).